The following is an entry in ClinVar:

NM_032830.3(UTP4):c.1376G>A (p.Gly459Glu)

Gene: UTP4 (UTP4 small subunit processome component). Cytogenetic location: 16q22.1.
Variant type: single nucleotide variant.
Coding change: c.1376G>A on transcript NM_032830.3 (MANE Select); coding-DNA position 1376, G replaced by A.
Protein change: p.Gly459Glu; replaces glycine 459 with glutamic acid.
Molecular consequence: missense variant.
Genome position (GRCh38, 1-based): chr16:69,157,172, G>A. VCF-style: chr16-69157172-G-A. GRCh37 (hg19) VCF-style: chr16-69191075-G-A.
Other names: c.1127G>A, p.Gly376Glu (NM_001318391.2); short protein forms G459E, G376E.
Identifiers: ClinVar variation 886102 (VCV000886102.7), dbSNP rs141398922, ClinGen allele CA8132416.

ClinVar aggregate classification (germline): Uncertain significance. Review status: criteria provided, multiple submitters, no conflicts (2 of 4 stars). 3 submissions from 3 submitters: Uncertain significance (2). 1 of the submissions does not count toward it. Last evaluated 2026-01-08.

Conditions:
UTP4-related disorder. Also called: UTP4-related condition.
Hereditary North American Indian childhood cirrhosis. Identifiers: Orphanet 168583, MedGen C1858051, MONDO:0011497, OMIM 604901.

Allele frequency attached by ClinVar (database versions not stated): ExAC 0.00050; gnomAD 0.00054 and 0.00056; gnomAD exomes 0.00055 and 0.00081; TOPMed 0.00062; ESP Exome Variant Server 0.00069; 1000 Genomes Project 0.00080; 1000 Genomes Project 30x 0.00094.
gnomAD v4.1: 1,269 of 1,614,164 alleles (0.079%); highest among the groups gnomAD compares: Admixed American, 0.12%; 1 homozygote.

Submissions (3):

Labcorp Genetics (formerly Invitae), Labcorp
Classification: Uncertain significance. Last evaluated: 2026-01-08. Review status: criteria provided, single submitter. Criteria: Invitae Variant Classification Sherloc (09022015). Collection method: clinical testing. Allele origin: germline.
Comment: This sequence change replaces glycine, which is neutral and non-polar, with glutamic acid, which is acidic and polar, at codon 459 of the UTP4 protein (p.Gly459Glu). This variant is present in population databases (rs141398922, gnomAD 0.1%), and has an allele count higher than expected for a pathogenic variant. This variant has not been reported in the literature in individuals affected with UTP4-related conditions. ClinVar contains an entry for this variant (Variation ID: 886102). Invitae Evidence Modeling of protein sequence and biophysical properties (such as structural, functional, and spatial information, amino acid conservation, physicochemical variation, residue mobility, and thermodynamic stability) has been performed for this missense variant. However, the output from this modeling did not meet the statistical confidence thresholds required to predict the impact of this variant on UTP4 protein function. In summary, the available evidence is currently insufficient to determine the role of this variant in disease. Therefore, it has been classified as a Variant of Uncertain Significance.

Illumina Laboratory Services, Illumina
Classification: Uncertain significance for Hereditary North American Indian childhood cirrhosis. Last evaluated: 2018-01-12. Review status: criteria provided, single submitter. Criteria: ICSL Variant Classification Criteria 13 December 2019. Collection method: clinical testing. Allele origin: germline.

PreventionGenetics, part of Exact Sciences
Classification: Uncertain significance for UTP4-related condition. Last evaluated: 2024-04-30. Review status: no assertion criteria provided. Collection method: clinical testing. Allele origin: germline. Not counted in ClinVar's aggregate classification.
Comment: The UTP4 c.1376G>A variant is predicted to result in the amino acid substitution p.Gly459Glu. To our knowledge, this variant has not been reported in the literature. This variant is reported in 0.11% of alleles in individuals of Latino descent in gnomAD. At this time, the clinical significance of this variant is uncertain due to the absence of conclusive functional and genetic evidence.